The following is an entry in ClinVar:

NM_170707.4(LMNA):c.773A>G (p.Gln258Arg)

Gene: LMNA (lamin A/C; plus strand). Cytogenetic location: 1q22.
Variant type: single nucleotide variant.
Coding change: c.773A>G on transcript NM_170707.4 (MANE Select); coding-DNA position 773, A replaced by G.
Protein change: p.Gln258Arg; replaces glutamine 258 with arginine.
Molecular consequence: missense variant.
Genome position (GRCh38, 1-based): chr1:156,134,938, A>G. VCF-style: chr1-156134938-A-G. GRCh37 (hg19) VCF-style: chr1-156104729-A-G.
Other names: c.437A>G, p.Gln146Arg (NM_001406989.1, NM_001406998.1, NM_001257374.3); c.215A>G, p.Gln72Arg (NM_001406990.1, NM_001406993.1, NM_001406995.1 and 4 more transcripts); c.773A>G, p.Gln258Arg (NM_001406991.1, NM_001406992.1, NM_001282625.2 and 6 more transcripts); c.109A>G, p.Ser37Gly (NM_001406994.1, NM_001406999.1, NM_001407000.1 and 1 more transcripts); c.530A>G, p.Gln177Arg (NM_001282624.2, NM_001406986.1, NM_001406987.1); c.476A>G, p.Gln159Arg (NM_001406988.1); short protein forms Q177R, Q159R, Q258R, Q72R, S37G, Q146R.
Identifiers: ClinVar variation 2779979 (VCV002779979.3), dbSNP rs2527974848, ClinGen allele CA342817376.

ClinVar aggregate classification (germline): Uncertain significance (1 of 4 stars; one submission).

Conditions:
Charcot-Marie-Tooth disease type 2. Also called: Charcot-Marie-Tooth type 2. Identifiers: Orphanet 64746, MedGen C0270914, MONDO:0018993.

Allele frequency attached by ClinVar (database versions not stated): gnomAD exomes below 0.00001.
gnomAD v4.1: 1 of 1,614,206 alleles (0.000062%); highest among the groups gnomAD compares: Non-Finnish European, 0.000085%; no homozygotes.

Submission:

Labcorp Genetics (formerly Invitae), Labcorp
Classification: Uncertain significance for Charcot-Marie-Tooth disease type 2. Last evaluated: 2023-04-22. Review status: criteria provided, single submitter. Criteria: Invitae Variant Classification Sherloc (09022015). Collection method: clinical testing. Allele origin: germline.
Comment: This sequence change replaces glutamine, which is neutral and polar, with arginine, which is basic and polar, at codon 258 of the LMNA protein (p.Gln258Arg). In summary, the available evidence is currently insufficient to determine the role of this variant in disease. Therefore, it has been classified as a Variant of Uncertain Significance. Advanced modeling of protein sequence and biophysical properties (such as structural, functional, and spatial information, amino acid conservation, physicochemical variation, residue mobility, and thermodynamic stability) has been performed at Invitae for this missense variant, however the output from this modeling did not meet the statistical confidence thresholds required to predict the impact of this variant on LMNA protein function. This variant has not been reported in the literature in individuals affected with LMNA-related conditions. This variant is not present in population databases (gnomAD no frequency).